The following is an entry in ClinVar:

NM_001558.4(IL10RA):c.1165C>A (p.Gln389Lys)

Gene: IL10RA (interleukin 10 receptor subunit alpha; plus strand). Cytogenetic location: 11q23.3.
Variant type: single nucleotide variant.
Coding change: c.1165C>A on transcript NM_001558.4 (MANE Select); coding-DNA position 1165, C replaced by A.
Protein change: p.Gln389Lys; replaces glutamine 389 with lysine.
Molecular consequence: missense variant. On other transcripts: non-coding transcript variant (1).
Genome position (GRCh38, 1-based): chr11:117,999,069, C>A. VCF-style: chr11-117999069-C-A. GRCh37 (hg19) VCF-style: chr11-117869784-C-A.
Other names: short protein forms Q389K.
Identifiers: ClinVar variation 848667 (VCV000848667.8), dbSNP rs746168445, ClinGen allele CA6299130.
Genomic context (GRCh38, chr11:117,999,069, plus strand): 5'-GACAGCGGGATCTGCCTGCAGGAGCCCAGCCTGAGCCCCAGCACAGGGCCCACCTGGGAG[C>A]AACAGGTGGGGAGCAACAGCAGGGGCCAGGATGACAGTGGCATTGACTTAGTTCAAAACT-3'
Protein context (NP_001549.2, residues 379-399): LSPSTGPTWE[Gln389Lys]QVGSNSRGQD

ClinVar aggregate classification (germline): Uncertain significance. Review status: criteria provided, multiple submitters, no conflicts (2 of 4 stars). 2 submissions from 2 submitters: Uncertain significance (2). Last evaluated 2025-02-01.

Conditions:
Inborn genetic diseases. Identifiers: MedGen C0950123, MeSH D030342.
Inflammatory bowel disease 28. Also called: Inflammatory bowel disease 28, early onset, autosomal recessive. Identifiers: Orphanet 238569, MedGen C2751053, MONDO:0013153, OMIM 613148.

Allele frequency attached by ClinVar (database versions not stated): gnomAD exomes below 0.00001 and 0.00002; TOPMed below 0.00001; gnomAD 0.00001; ExAC 0.00003.
gnomAD v4.1: 8 of 1,611,390 alleles (0.0005%); highest among the groups gnomAD compares: Non-Finnish European, 0.00051%; no homozygotes.

Submissions (2):

Ambry Genetics
Classification: Uncertain significance for Inborn genetic diseases. Last evaluated: 2025-02-01. Review status: criteria provided, single submitter. Criteria: Ambry Variant Classification Scheme 2023. Collection method: clinical testing. Allele origin: germline.

Labcorp Genetics (formerly Invitae), Labcorp
Classification: Uncertain significance for Inflammatory bowel disease 28. Last evaluated: 2019-11-19. Review status: criteria provided, single submitter. Criteria: Invitae Variant Classification Sherloc (09022015). Collection method: clinical testing. Allele origin: germline.
Comment: In summary, the available evidence is currently insufficient to determine the role of this variant in disease. Therefore, it has been classified as a Variant of Uncertain Significance. Algorithms developed to predict the effect of missense changes on protein structure and function (SIFT, PolyPhen-2, Align-GVGD) all suggest that this variant is likely to be tolerated, but these predictions have not been confirmed by published functional studies and their clinical significance is uncertain. This variant has not been reported in the literature in individuals with IL10RA-related conditions. This variant is present in population databases (rs746168445, ExAC 0.006%). This sequence change replaces glutamine with lysine at codon 389 of the IL10RA protein (p.Gln389Lys). The glutamine residue is moderately conserved and there is a small physicochemical difference between glutamine and lysine.